The following is an entry in ClinVar:

ClinVar aggregate classification (germline): Conflicting classifications of pathogenicity. Review status: criteria provided, conflicting classifications (1 of 4 stars). 2 submissions from 2 submitters: Uncertain significance (1); Likely benign (1). Last evaluated 2026-04-17.

Conditions:
Hereditary cancer-predisposing syndrome. Also called: Tumor predisposition; Neoplastic Syndromes, Hereditary; Hereditary neoplastic syndrome; Hereditary Cancer Syndrome. Identifiers: Orphanet 140162, MedGen C0027672, MeSH D009386, MONDO:0015356.
Gorlin syndrome. Also called: Nevoid Basal Cell Carcinoma Syndrome; Basal cell nevus syndrome. Identifiers: Orphanet 377, MedGen C0004779, MONDO:0007187.

Allele frequency attached by ClinVar (database versions not stated): TOPMed 0.00001; gnomAD exomes 0.00001.
gnomAD v4.1: 3 of 1,607,282 alleles (0.00019%); highest among the groups gnomAD compares: Non-Finnish European, 0.00017%; no homozygotes.

Submissions (2):

Ambry Genetics
Classification: Likely benign for Hereditary cancer-predisposing syndrome. Last evaluated: 2026-04-17. Review status: criteria provided, single submitter. Criteria: Ambry Variant Classification Scheme 2023. Collection method: clinical testing. Allele origin: germline.

Labcorp Genetics (formerly Invitae), Labcorp
Classification: Uncertain significance for Gorlin syndrome. Last evaluated: 2026-01-25. Review status: criteria provided, single submitter. Criteria: Invitae Variant Classification Sherloc (09022015). Collection method: clinical testing. Allele origin: germline.
Comment: This sequence change falls in intron 13 of the PTCH1 gene. It does not directly change the encoded amino acid sequence of the PTCH1 protein. It affects a nucleotide within the consensus splice site. This variant is not present in population databases (gnomAD no frequency). This variant has not been reported in the literature in individuals affected with PTCH1-related conditions. ClinVar contains an entry for this variant (Variation ID: 845555). Variants that disrupt the consensus splice site are a relatively common cause of aberrant splicing (PMID: 17576681, 9536098). Algorithms developed to predict the effect of sequence changes on RNA splicing suggest that this variant is not likely to affect RNA splicing. In summary, the available evidence is currently insufficient to determine the role of this variant in disease. Therefore, it has been classified as a Variant of Uncertain Significance.

Literature cited by the submitters: PubMed 17576681 (cited by Labcorp Genetics (formerly Invitae), Labcorp); PubMed 9536098 (cited by Labcorp Genetics (formerly Invitae), Labcorp).

NM_000264.5(PTCH1):c.1847+5A>G

Genes: PTCH1 (patched 1; minus strand), LOC100507346 (uncharacterized LOC100507346; plus strand). Cytogenetic location: 9q22.32.
Variant type: single nucleotide variant.
Coding change: c.1847+5A>G on transcript NM_000264.5 (MANE Select); 5 bases into the intron after coding-DNA position 1847, A replaced by G.
Molecular consequence: intron variant. On other transcripts: non-coding transcript variant (1).
Genome position (GRCh38, 1-based): chr9:95,469,808, T>C on the plus strand (A>G on the coding strand, the complement: PTCH1 is on the minus strand). VCF-style: chr9-95469808-T-C. GRCh37 (hg19) VCF-style: chr9-98232090-T-C.
Other names: c.1844+5A>G (NM_001083603.3); c.1649+5A>G (NM_001083602.3); c.1691+5A>G (NM_001354918.2); c.1394+5A>G (NM_001083605.3, NM_001083604.3, NM_001083606.3 and 1 more transcripts).
Identifiers: ClinVar variation 845555 (VCV000845555.15), dbSNP rs1286074829, ClinGen allele CA868791081.